The following is an entry in ClinVar:

ClinVar aggregate classification (germline): Uncertain significance. Review status: criteria provided, multiple submitters, no conflicts (2 of 4 stars). 3 submissions from 3 submitters: Uncertain significance (3). Last evaluated 2025-12-01.

Conditions:
Basal cell carcinoma, susceptibility to, 1. Also called: BCC1. Identifiers: MedGen C2751544, MONDO:0011556, OMIM 605462.
Medulloblastoma (MDB). Also called: Medulloblastoma, somatic; MEDULLOBLASTOMA PREDISPOSITION SYNDROME. Identifiers: Orphanet 616, MedGen C0025149, MeSH D008527, MONDO:0007959, OMIM 155255, HP:0002885.
Gorlin syndrome. Also called: Nevoid Basal Cell Carcinoma Syndrome; Basal cell nevus syndrome. Identifiers: Orphanet 377, MedGen C0004779, MONDO:0007187.

Allele frequency attached by ClinVar (database versions not stated): ExAC 0.00003; gnomAD exomes 0.00006.
gnomAD v4.1: 30 of 1,613,366 alleles (0.0019%); highest among the groups gnomAD compares: East Asian, 0.033%; no homozygotes.

Submissions (3):

Labcorp Genetics (formerly Invitae), Labcorp
Classification: Uncertain significance for Gorlin syndrome. Last evaluated: 2025-12-01. Review status: criteria provided, single submitter. Criteria: Invitae Variant Classification Sherloc (09022015). Collection method: clinical testing. Allele origin: germline.
Comment: This sequence change replaces alanine, which is neutral and non-polar, with threonine, which is neutral and polar, at codon 419 of the PTCH2 protein (p.Ala419Thr). This variant is present in population databases (rs765975927, gnomAD 0.07%), and has an allele count higher than expected for a pathogenic variant. This variant has not been reported in the literature in individuals affected with PTCH2-related conditions. ClinVar contains an entry for this variant (Variation ID: 1499997). Invitae Evidence Modeling of protein sequence and biophysical properties (such as structural, functional, and spatial information, amino acid conservation, physicochemical variation, residue mobility, and thermodynamic stability) indicates that this missense variant is not expected to disrupt PTCH2 protein function with a negative predictive value of 80%. In summary, the available evidence is currently insufficient to determine the role of this variant in disease. Therefore, it has been classified as a Variant of Uncertain Significance.

Ambry Genetics
Classification: Uncertain significance. Last evaluated: 2024-05-24. Review status: criteria provided, single submitter. Criteria: Ambry Variant Classification Scheme 2023. Collection method: clinical testing. Allele origin: germline.

Fulgent Genetics
Classification: Uncertain significance for Medulloblastoma; Basal cell carcinoma, susceptibility to, 1. Last evaluated: 2024-01-26. Review status: criteria provided, single submitter. Criteria: ACMG Guidelines, 2015. Collection method: clinical testing. Allele origin: germline.

NM_003738.5(PTCH2):c.1255G>A (p.Ala419Thr)

Gene: PTCH2 (patched 2; minus strand). Cytogenetic location: 1p34.1.
Variant type: single nucleotide variant.
Coding change: c.1255G>A on transcript NM_003738.5 (MANE Select); coding-DNA position 1255, G replaced by A.
Protein change: p.Ala419Thr; replaces alanine 419 with threonine.
Molecular consequence: missense variant.
Genome position (GRCh38, 1-based): chr1:44,829,273, C>T on the plus strand (G>A on the coding strand, the complement: PTCH2 is on the minus strand). VCF-style: chr1-44829273-C-T. GRCh37 (hg19) VCF-style: chr1-45294945-C-T.
Other names: c.1255G>A, p.Ala419Thr (NM_001166292.2); c.1255G>A (NM_003738.4); short protein forms A419T.
Identifiers: ClinVar variation 1499997 (VCV001499997.10), dbSNP rs765975927, ClinGen allele CA823369.